The following is an entry in ClinVar:

ClinVar aggregate classification (germline): Uncertain significance. Review status: criteria provided, multiple submitters, no conflicts (2 of 4 stars). 3 submissions from 3 submitters: Uncertain significance (3). Last evaluated 2025-03-13.

Conditions:
Inborn genetic diseases. Identifiers: MedGen C0950123, MeSH D030342.
CDH2-related disorder. Also called: CDH2-related condition.

Allele frequency attached by ClinVar (database versions not stated): gnomAD exomes below 0.00001; gnomAD 0.00001.
gnomAD v4.1: 2 of 1,613,370 alleles (0.00012%); highest among the groups gnomAD compares: Non-Finnish European, 0.00017%; no homozygotes.

Submissions (3):

PreventionGenetics, part of Exact Sciences
Classification: Uncertain significance for CDH2-related condition. Last evaluated: 2025-03-13. Review status: criteria provided, single submitter. Criteria: ACMG Guidelines, 2015. Collection method: clinical testing. Allele origin: germline.
Comment: The CDH2 c.413T>A variant is predicted to result in the amino acid substitution p.Val138Asp. To our knowledge, this variant has not been reported in the literature or in a large population database (gnomAD), indicating this variant is rare. At this time, the clinical significance of this variant is uncertain due to the absence of conclusive functional and genetic evidence.

Labcorp Genetics (formerly Invitae), Labcorp
Classification: Uncertain significance. Last evaluated: 2024-12-26. Review status: criteria provided, single submitter. Criteria: Invitae Variant Classification Sherloc (09022015). Collection method: clinical testing. Allele origin: germline.
Comment: This sequence change replaces valine, which is neutral and non-polar, with aspartic acid, which is acidic and polar, at codon 138 of the CDH2 protein (p.Val138Asp). This variant is not present in population databases (gnomAD no frequency). This variant has not been reported in the literature in individuals affected with CDH2-related conditions. ClinVar contains an entry for this variant (Variation ID: 2451011). An algorithm developed to predict the effect of missense changes on protein structure and function (PolyPhen-2) suggests that this variant is likely to be tolerated. In summary, the available evidence is currently insufficient to determine the role of this variant in disease. Therefore, it has been classified as a Variant of Uncertain Significance.

Ambry Genetics
Classification: Uncertain significance for Inborn genetic diseases. Last evaluated: 2023-03-05. Review status: criteria provided, single submitter. Criteria: Ambry Variant Classification Scheme 2023. Collection method: clinical testing. Allele origin: germline.
Comment: The p.V138D variant (also known as c.413T>A), located in coding exon 4 of the CDH2 gene, results from a T to A substitution at nucleotide position 413. The valine at codon 138 is replaced by aspartic acid, an amino acid with highly dissimilar properties. This amino acid position is conserved. In addition, this alteration is predicted to be tolerated by in silico analysis. Since supporting evidence is limited at this time, the clinical significance of this alteration remains unclear.

NM_001792.5(CDH2):c.413T>A (p.Val138Asp)

Gene: CDH2 (cadherin 2; minus strand). Cytogenetic location: 18q12.1.
Variant type: single nucleotide variant.
Coding change: c.413T>A on transcript NM_001792.5 (MANE Select); coding-DNA position 413, T replaced by A.
Protein change: p.Val138Asp; replaces valine 138 with aspartic acid.
Molecular consequence: missense variant.
Genome position (GRCh38, 1-based): chr18:28,011,979, A>T on the plus strand (T>A on the coding strand, the complement: CDH2 is on the minus strand). VCF-style: chr18-28011979-A-T. GRCh37 (hg19) VCF-style: chr18-25591943-A-T.
Other names: c.413T>A (NM_001792.4); c.320T>A, p.Val107Asp (NM_001308176.2); short protein forms V138D, V107D.
Identifiers: ClinVar variation 2451011 (VCV002451011.5), dbSNP rs1393606084, ClinGen allele CA402244038.